The following is an entry in ClinVar:

NM_001130987.2(DYSF):c.5547-2A>G

Gene: DYSF (dysferlin; plus strand). Cytogenetic location: 2p13.2.
Variant type: single nucleotide variant.
Coding change: c.5547-2A>G on transcript NM_001130987.2 (MANE Select); the canonical splice acceptor site of the intron before coding-DNA position 5547, A replaced by G.
Molecular consequence: splice acceptor variant.
Genome position (GRCh38, 1-based): chr2:71,669,110, A>G. VCF-style: chr2-71669110-A-G. GRCh37 (hg19) VCF-style: chr2-71896240-A-G.
Other names: c.5523-2A>G (NM_001130979.2); c.5544-2A>G (NM_001130981.2); c.5481-2A>G (NM_001130980.2); c.5493-2A>G (NM_001130978.2); c.5430-2A>G (NM_003494.4); c.5451-2A>G (NM_001130977.2); c.5388-2A>G (NM_001130976.2); c.5526-2A>G (NM_001130982.2); and 5 more.
Identifiers: ClinVar variation 978227 (VCV000978227.13), dbSNP rs1238293747, ClinGen allele CA347222046.

ClinVar aggregate classification (germline): Pathogenic/Likely pathogenic. Review status: criteria provided, multiple submitters, no conflicts (2 of 4 stars). 5 submissions from 5 submitters: Pathogenic (3); Likely pathogenic (2). Last evaluated 2025-10-29.

Conditions:
Neuromuscular disease caused by qualitative or quantitative defects of dysferlin. Also called: Dysferlinopathy; Qualitative or quantitative defects of dysferlin. Identifiers: Orphanet 207073, MedGen C2931687, MONDO:0016145.
Autosomal recessive limb-girdle muscular dystrophy. Identifiers: Orphanet 102015, MedGen C2931907, MONDO:0015152.
Autosomal recessive limb-girdle muscular dystrophy type 2B (LGMDR2). Also called: MUSCULAR DYSTROPHY, LIMB-GIRDLE, TYPE 3; Limb-Girdle Muscular Dystrophy Type 2B (LGMD2B); Limb-girdle muscular dystrophy, type 2B; MUSCULAR DYSTROPHY, LIMB-GIRDLE, AUTOSOMAL RECESSIVE 2. Identifiers: Orphanet 268, MedGen C1850889, MONDO:0009676, OMIM 253601.
Distal myopathy with anterior tibial onset. Identifiers: Orphanet 178400, MedGen C1847532, MONDO:0011721, OMIM 606768.
Miyoshi muscular dystrophy 1 (MMD1). Identifiers: Orphanet 45448, MedGen C4551973, MONDO:0024545, OMIM 254130.

Submissions (5):

Myriad Genetics, Inc.
Classification: Likely pathogenic for Autosomal recessive limb-girdle muscular dystrophy. Last evaluated: 2025-10-29. Review status: criteria provided, single submitter. Criteria: Myriad Autosomal Dominant, Autosomal Recessive and X-Linked Classification Criteria (2023). Collection method: clinical testing. Allele origin: unknown.
Comment: NM_003494.3(DYSF):c.5430-2A>G is a variant in a canonical splice site classified as likely pathogenic in the context of dysferlinopathy. c.5430-2A>G has been observed in cases with relevant disease (PMID: 28904177, 39678382). Relevant functional assessments of this variant are not available in the literature. c.5430-2A>G has been observed in referenced population frequency databases. In summary, NM_003494.3(DYSF):c.5430-2A>G is a variant in a canonical splice site in a gene where loss of function is a known mechanism of disease, is predicted to disrupt protein function, and has been observed more frequently in cases with the relevant disease than in healthy populations. Please note: this variant was assessed in the context of healthy population screening.

Kariminejad - Najmabadi Pathology & Genetics Center
Classification: Pathogenic for Miyoshi muscular dystrophy 1; Autosomal recessive limb-girdle muscular dystrophy type 2B; Distal myopathy with anterior tibial onset. Last evaluated: 2023-07-05. Review status: criteria provided, single submitter. Criteria: ACMG Guidelines, 2015. Collection method: clinical testing. Allele origin: germline. Inheritance: Autosomal recessive inheritance. Affected: yes.
Comment: PVS1-PM2-PP5

Labcorp Genetics (formerly Invitae), Labcorp
Classification: Pathogenic for Neuromuscular disease caused by qualitative or quantitative defects of dysferlin. Last evaluated: 2022-09-09. Review status: criteria provided, single submitter. Criteria: Invitae Variant Classification Sherloc (09022015). Collection method: clinical testing. Allele origin: germline.
Comment: For these reasons, this variant has been classified as Pathogenic. Algorithms developed to predict the effect of sequence changes on RNA splicing suggest that this variant may disrupt the consensus splice site. ClinVar contains an entry for this variant (Variation ID: 978227). This variant is also known as c.5547-2A>G. Disruption of this splice site has been observed in individual(s) with clinical features of DYSF-related conditions (PMID: 18832576, 19528035, 32528171). This variant is not present in population databases (gnomAD no frequency). This sequence change affects an acceptor splice site in intron 48 of the DYSF gene. It is expected to disrupt RNA splicing. Variants that disrupt the donor or acceptor splice site typically lead to a loss of protein function (PMID: 16199547), and loss-of-function variants in DYSF are known to be pathogenic (PMID: 17698709, 20301480).

Genetics and Molecular Pathology, SA Pathology
Classification: Pathogenic for Autosomal recessive limb-girdle muscular dystrophy type 2B. Last evaluated: 2021-12-29. Review status: criteria provided, single submitter. Criteria: ACMG Guidelines, 2015. Collection method: clinical testing. Allele origin: germline. Affected: yes.

Laboratory of Inherited Metabolic Diseases, Research centre for medical genetics
Classification: Likely pathogenic for Dysferlinopathy. Last evaluated: 2020-02-11. Review status: criteria provided, single submitter. Criteria: ACMG Guidelines, 2015. Collection method: clinical testing. Allele origin: germline. Inheritance: Autosomal recessive inheritance. Affected: yes. Observed: 1 variant allele.

Literature cited by the submitters: PubMed 28904177 (cited by Myriad Genetics, Inc.); PubMed 39678382 (cited by Myriad Genetics, Inc.); PubMed 18832576 (cited by Labcorp Genetics (formerly Invitae), Labcorp); PubMed 19528035 (cited by Labcorp Genetics (formerly Invitae), Labcorp); PubMed 32528171 (cited by Labcorp Genetics (formerly Invitae), Labcorp); PubMed 16199547 (cited by Labcorp Genetics (formerly Invitae), Labcorp); PubMed 17698709 (cited by Labcorp Genetics (formerly Invitae), Labcorp); PubMed 20301480 (cited by Labcorp Genetics (formerly Invitae), Labcorp).